The following is an entry in ClinVar:

ClinVar aggregate classification (germline): drug response (0 of 4 stars; one submission).

Conditions:
Corticosteroids response. Also called: Corticosteroid response.

gnomAD v4.1: 2 of 1,614,140 alleles (0.00012%); highest among the groups gnomAD compares: South Asian, 0.0011%; no homozygotes.

Submission:

Genetic Testing Lab, Ashok and Rita Patel Institute of Integrated Study and Research in Biotechnology and Allied Sciences
Classification: drug response for Corticosteroid response. Last evaluated: 2022-05-20. Review status: no assertion criteria provided. Collection method: research. Allele origin: somatic. Affected: yes. Observed: 37 variant alleles.
Comment: Depending upon patients response to standard corticosteroids therapy, they were classified to be either Steroid resistance(SRNS)(poor metabolizer) or steroid sensitive(SSNS)(likley responsive)

NM_004998.4(MYO1E):c.784A>G (p.Met262Val)

Gene: MYO1E (myosin IE; minus strand). Cytogenetic location: 15q22.2.
Variant type: single nucleotide variant.
Coding change: c.784A>G on transcript NM_004998.4 (MANE Select); coding-DNA position 784, A replaced by G.
Protein change: p.Met262Val; replaces methionine 262 with valine.
Molecular consequence: missense variant.
Genome position (GRCh38, 1-based): chr15:59,223,185, T>C on the plus strand (A>G on the coding strand, the complement: MYO1E is on the minus strand). VCF-style: chr15-59223185-T-C. GRCh37 (hg19) VCF-style: chr15-59515384-T-C.
Other names: short protein forms M262V.
Identifiers: ClinVar variation 1698697 (VCV001698697.2), dbSNP rs1471326207, ClinGen allele CA392642651.